The following is an entry in ClinVar:

ClinVar aggregate classification (germline): Uncertain significance (1 of 4 stars; one submission).

Conditions:
Vici syndrome (VICIS). Identifiers: Orphanet 1493, MedGen C1855772, MONDO:0009452, OMIM 242840.

Allele frequency attached by ClinVar (database versions not stated): gnomAD exomes below 0.00001; TOPMed below 0.00001.
gnomAD v4.1: 1 of 1,614,142 alleles (0.000062%); highest among the groups gnomAD compares: Non-Finnish European, 0.000085%; no homozygotes.

Submission:

Labcorp Genetics (formerly Invitae), Labcorp
Classification: Uncertain significance for Vici syndrome. Last evaluated: 2024-04-15. Review status: criteria provided, single submitter. Criteria: Invitae Variant Classification Sherloc (09022015). Collection method: clinical testing. Allele origin: germline.
Comment: This sequence change replaces valine, which is neutral and non-polar, with isoleucine, which is neutral and non-polar, at codon 2095 of the EPG5 protein (p.Val2095Ile). This variant is not present in population databases (gnomAD no frequency). This variant has not been reported in the literature in individuals affected with EPG5-related conditions. ClinVar contains an entry for this variant (Variation ID: 1392147). Advanced modeling of protein sequence and biophysical properties (such as structural, functional, and spatial information, amino acid conservation, physicochemical variation, residue mobility, and thermodynamic stability) performed at Invitae indicates that this missense variant is not expected to disrupt EPG5 protein function with a negative predictive value of 80%. In summary, the available evidence is currently insufficient to determine the role of this variant in disease. Therefore, it has been classified as a Variant of Uncertain Significance.

NM_020964.3(EPG5):c.6283G>A (p.Val2095Ile)

Gene: EPG5 (ectopic P-granules 5 autophagy tethering factor; minus strand). Cytogenetic location: 18q12.3.
Variant type: single nucleotide variant.
Coding change: c.6283G>A on transcript NM_020964.3 (MANE Select); coding-DNA position 6283, G replaced by A.
Protein change: p.Val2095Ile; replaces valine 2095 with isoleucine.
Molecular consequence: missense variant.
Genome position (GRCh38, 1-based): chr18:45,867,691, C>T on the plus strand (G>A on the coding strand, the complement: EPG5 is on the minus strand). VCF-style: chr18-45867691-C-T. GRCh37 (hg19) VCF-style: chr18-43447656-C-T.
Other names: short protein forms V2095I.
Identifiers: ClinVar variation 1392147 (VCV001392147.7), dbSNP rs2048776242, ClinGen allele CA402339770.